The following is an entry in ClinVar:

ClinVar aggregate classification (germline): Likely pathogenic. Review status: criteria provided, multiple submitters, no conflicts (2 of 4 stars). 3 submissions from 3 submitters: Likely pathogenic (3). Last evaluated 2026-02-04.

Conditions:
Mitochondrial complex III deficiency nuclear type 3. Identifiers: MedGen C3554606, MONDO:0014064, OMIM 615158.

Submissions (3):

Department of Human Genetics, Hannover Medical School
Classification: Likely pathogenic for Mitochondrial complex III deficiency nuclear type 3. Last evaluated: 2026-02-04. Review status: criteria provided, single submitter. Criteria: ACMG Guidelines, 2015. Collection method: clinical testing. Allele origin: germline. Inheritance: Autosomal recessive inheritance. Affected: yes.
Comment: ACMG/SVI: PVS1_Moderate, PS4_Supporting, PM3, PM2_Supporting, PP1_Moderate

Institute of Medical Genetics and Applied Genomics, University Hospital Tübingen
Classification: Likely pathogenic. Last evaluated: 2020-10-23. Review status: criteria provided, single submitter. Criteria: ACMG Guidelines, 2015. Collection method: clinical testing. Allele origin: germline. Inheritance: Autosomal recessive inheritance. Affected: yes.

CeGaT Center for Human Genetics Tuebingen
Classification: Likely pathogenic. Last evaluated: 2019-12-01. Review status: criteria provided, single submitter. Criteria: CeGaT Center For Human Genetics Tuebingen Variant Classification Criteria Version 2. Collection method: clinical testing. Allele origin: germline. Affected: yes. Observed: 2 variant alleles.

NM_006294.5(UQCRB):c.310G>T (p.Glu104Ter)

Genes: UQCRB (ubiquinol-cytochrome c reductase binding protein; minus strand), UQCRB-AS1 (UQCRB antisense RNA 1; plus strand). Cytogenetic location: 8q22.1.
Variant type: single nucleotide variant.
Coding change: c.310G>T on transcript NM_006294.5 (MANE Select); coding-DNA position 310, G replaced by T.
Protein change: p.Glu104Ter; replaces glutamic acid 104 with a stop codon.
Molecular consequence: nonsense. On other transcripts: 3 prime UTR variant (1), non-coding transcript variant (1).
Genome position (GRCh38, 1-based): chr8:96,231,081, C>A on the plus strand (G>T on the coding strand, the complement: UQCRB is on the minus strand). VCF-style: chr8-96231081-C-A. GRCh37 (hg19) VCF-style: chr8-97243309-C-A.
Other names: c.214G>T, p.Glu72Ter (NM_001199975.3); c.*24G>T (NM_001254752.2); short protein forms E104*, E72*.
Identifiers: ClinVar variation 444760 (VCV000444760.46), dbSNP rs1554577679, ClinGen allele CA371754735.